The following is an entry in ClinVar:

ClinVar aggregate classification (germline): Conflicting classifications of pathogenicity. Review status: criteria provided, conflicting classifications (1 of 4 stars). 5 submissions from 5 submitters: Uncertain significance (2); Likely benign (3). Last evaluated 2025-03-11.

Conditions:
Inborn genetic diseases. Identifiers: MedGen C0950123, MeSH D030342.

Allele frequency attached by ClinVar (database versions not stated): ESP Exome Variant Server 0.00008; TOPMed 0.00014; gnomAD 0.00015; 1000 Genomes Project 0.00020; 1000 Genomes Project 30x 0.00031.
gnomAD v4.1: 276 of 1,614,232 alleles (0.017%); highest among the groups gnomAD compares: Non-Finnish European, 0.022%; no homozygotes.

Submissions (5):

Labcorp Genetics (formerly Invitae), Labcorp
Classification: Uncertain significance. Last evaluated: 2025-03-11. Review status: criteria provided, single submitter. Criteria: Invitae Variant Classification Sherloc (09022015). Collection method: clinical testing. Allele origin: germline.
Comment: This sequence change replaces threonine, which is neutral and polar, with isoleucine, which is neutral and non-polar, at codon 925 of the SRCAP protein (p.Thr925Ile). This variant is present in population databases (rs202065257, gnomAD 0.02%). This variant has not been reported in the literature in individuals affected with SRCAP-related conditions. ClinVar contains an entry for this variant (Variation ID: 1350355). Invitae Evidence Modeling of protein sequence and biophysical properties (such as structural, functional, and spatial information, amino acid conservation, physicochemical variation, residue mobility, and thermodynamic stability) indicates that this missense variant is expected to disrupt SRCAP protein function with a positive predictive value of 80%. In summary, the available evidence is currently insufficient to determine the role of this variant in disease. Therefore, it has been classified as a Variant of Uncertain Significance.

CeGaT Center for Human Genetics Tuebingen
Classification: Likely benign. Last evaluated: 2024-12-01. Review status: criteria provided, single submitter. Criteria: CeGaT Center For Human Genetics Tuebingen Variant Classification Criteria Version 2. Collection method: clinical testing. Allele origin: germline. Affected: yes. Observed: 1 variant allele.
Comment: SRCAP: BS1

Blueprint Genetics
Classification: Likely benign. Last evaluated: 2024-05-13. Review status: criteria provided, single submitter. Criteria: ACMG Guidelines, 2015. Collection method: clinical testing. Allele origin: germline.

Ambry Genetics
Classification: Likely benign for Inborn genetic diseases. Last evaluated: 2024-03-01. Review status: criteria provided, single submitter. Criteria: Ambry Variant Classification Scheme 2023. Collection method: clinical testing. Allele origin: germline.

Breakthrough Genomics
Classification: Uncertain significance. Review status: criteria provided, single submitter. Criteria: ACMG Guidelines, 2015. Collection method: not provided. Allele origin: germline. Inheritance: Autosomal dominant inheritance. Affected: yes.

NM_006662.3(SRCAP):c.2774C>T (p.Thr925Ile)

Gene: SRCAP (Snf2 related CREBBP activator protein; plus strand). Cytogenetic location: 16p11.2.
Variant type: single nucleotide variant.
Coding change: c.2774C>T on transcript NM_006662.3 (MANE Select); coding-DNA position 2774, C replaced by T.
Protein change: p.Thr925Ile; replaces threonine 925 with isoleucine.
Molecular consequence: missense variant.
Genome position (GRCh38, 1-based): chr16:30,716,436, C>T. VCF-style: chr16-30716436-C-T. GRCh37 (hg19) VCF-style: chr16-30727757-C-T.
Other names: c.2774C>T (NM_006662.2); short protein forms T925I.
Identifiers: ClinVar variation 1350355 (VCV001350355.22), dbSNP rs202065257, ClinGen allele CA8011300.
Genomic context (GRCh38, chr16:30,716,436, plus strand): 5'-ATCTGTTCGACCCTCGACCGGTTACCTCCCCTTTCATCACCCCAGGCATCTGCTTCAGCA[C>T]CGCCTCTCTGGTGCTAAGGGCCACGGATGTCCATCCCCTCCAGGTAAGTATGATTCCATT-3'
Protein context (NP_006653.2, residues 915-935): PFITPGICFS[Thr925Ile]ASLVLRATDV